The following is an entry in ClinVar:

NM_201384.3(PLEC):c.9005G>A (p.Arg3002Gln)

Gene: PLEC (plectin; minus strand). Cytogenetic location: 8q24.3.
Variant type: single nucleotide variant.
Coding change: c.9005G>A on transcript NM_201384.3 (MANE Select); coding-DNA position 9005, G replaced by A.
Protein change: p.Arg3002Gln; replaces arginine 3002 with glutamine.
Molecular consequence: missense variant.
Genome position (GRCh38, 1-based): chr8:143,920,816, C>T on the plus strand (G>A on the coding strand, the complement: PLEC is on the minus strand). VCF-style: chr8-143920816-C-T. GRCh37 (hg19) VCF-style: chr8-144994984-C-T.
Other names: c.9086G>A, p.Arg3029Gln (NM_000445.5); c.8963G>A, p.Arg2988Gln (NM_201378.4); c.8939G>A, p.Arg2980Gln (NM_201379.3); c.9416G>A, p.Arg3139Gln (NM_201380.4); c.8909G>A, p.Arg2970Gln (NM_201381.3); c.9005G>A, p.Arg3002Gln (NM_201382.4); c.9017G>A, p.Arg3006Gln (NM_201383.3); short protein forms R2970Q, R2980Q, R2988Q, R3006Q, R3002Q, R3029Q, R3139Q.
Identifiers: ClinVar variation 592918 (VCV000592918.11), dbSNP rs782565838, ClinGen allele CA4925113.

ClinVar aggregate classification (germline): Uncertain significance. Review status: criteria provided, multiple submitters, no conflicts (2 of 4 stars). 3 submissions from 3 submitters: Uncertain significance (3). Last evaluated 2026-04-06.

Conditions:
Autosomal recessive limb-girdle muscular dystrophy type 2Q (LGMDR17). Also called: MUSCULAR DYSTROPHY, LIMB-GIRDLE, AUTOSOMAL RECESSIVE 17. Identifiers: Orphanet 254361, MedGen C3150989, MONDO:0013390, OMIM 613723.
Epidermolysis bullosa simplex 5B, with muscular dystrophy (EBS5B). Also called: EPIDERMOLYSIS BULLOSA SIMPLEX AND LIMB-GIRDLE MUSCULAR DYSTROPHY; Epidermolysis bullosa simplex with muscular dystrophy. Identifiers: Orphanet 257, MedGen C2931072, MONDO:0009181, OMIM 226670.
Epidermolysis bullosa simplex with nail dystrophy (EBS5D). Identifiers: MedGen C4225309, MONDO:0014661, OMIM 616487.
Epidermolysis bullosa simplex 5C, with pyloric atresia (EBS5C). Also called: PLEC-Related Epidermolysis Bullosa with Pyloric Atresia; Epidermolysis bullosa simplex with pyloric atresia; PLEC1-Related Epidermolysis Bullosa with Pyloric Atresia. Identifiers: Orphanet 158684, MedGen C2677349, MONDO:0012807, OMIM 612138.
Epidermolysis bullosa simplex, Ogna type (EBS5A). Also called: Pidermolysis bullosa simplex 5A, Ogna type; EPIDERMOLYSIS BULLOSA SIMPLEX 5A, OGNA TYPE. Identifiers: Orphanet 79401, MedGen C0432317, MONDO:0007555, OMIM 131950.

Allele frequency attached by ClinVar (database versions not stated): TOPMed 0.00002; gnomAD 0.00003; gnomAD exomes 0.00003 and 0.00010; ExAC 0.00011.
gnomAD v4.1: 46 of 1,608,184 alleles (0.0029%); highest among the groups gnomAD compares: South Asian, 0.018%; no homozygotes.

Submissions (3):

Women's Health and Genetics/Laboratory Corporation of America, LabCorp
Classification: Uncertain significance. Last evaluated: 2026-04-06. Review status: criteria provided, single submitter. Criteria: LabCorp Variant Classification Summary - May 2015. Collection method: clinical testing. Allele origin: germline.
Comment: Variant summary: PLEC c.9086G>A (p.Arg3029Gln) results in a conservative amino acid change in the encoded protein sequence. Algorithms developed to predict the effect of missense changes on protein structure and function all suggest that this variant is likely to be tolerated. The variant allele was found at a frequency of 9.7e-05 in 238260 control chromosomes. This frequency is not significantly higher than estimated for disease-causing variants in PLEC, allowing no conclusion about variant significance. To our knowledge, no occurrence of c.9086G>A in individuals affected with PLEC-related conditions and no experimental evidence demonstrating its impact on protein function have been reported. ClinVar contains an entry for this variant (Variation ID: 592918). Based on the evidence outlined above, the variant was classified as uncertain significance.

Labcorp Genetics (formerly Invitae), Labcorp
Classification: Uncertain significance for Autosomal recessive limb-girdle muscular dystrophy type 2Q; Epidermolysis bullosa simplex, Ogna type; Epidermolysis bullosa simplex with nail dystrophy; Epidermolysis bullosa simplex 5C, with pyloric atresia; Epidermolysis bullosa simplex 5B, with muscular dystrophy. Last evaluated: 2023-04-24. Review status: criteria provided, single submitter. Criteria: Invitae Variant Classification Sherloc (09022015). Collection method: clinical testing. Allele origin: germline.
Comment: This sequence change replaces arginine, which is basic and polar, with glutamine, which is neutral and polar, at codon 3029 of the PLEC protein (p.Arg3029Gln). This variant is present in population databases (rs782565838, gnomAD 0.02%). This variant has not been reported in the literature in individuals affected with PLEC-related conditions. ClinVar contains an entry for this variant (Variation ID: 592918). Advanced modeling of protein sequence and biophysical properties (such as structural, functional, and spatial information, amino acid conservation, physicochemical variation, residue mobility, and thermodynamic stability) performed at Invitae indicates that this missense variant is not expected to disrupt PLEC protein function. In summary, the available evidence is currently insufficient to determine the role of this variant in disease. Therefore, it has been classified as a Variant of Uncertain Significance.

Eurofins Ntd Llc (ga)
Classification: Uncertain significance. Last evaluated: 2017-10-10. Review status: criteria provided, single submitter. Criteria: EGL Classification Definitions 2015. Collection method: clinical testing. Allele origin: germline. Observed: 2 variant alleles, 2 heterozygotes.